The following is an entry in ClinVar:

NM_152564.5(VPS13B):c.2894T>C (p.Ile965Thr)

Gene: VPS13B (vacuolar protein sorting 13 homolog B; plus strand). Cytogenetic location: 8q22.2.
Variant type: single nucleotide variant.
Coding change: c.2894T>C on transcript NM_152564.5 (MANE Select); coding-DNA position 2894, T replaced by C.
Protein change: p.Ile965Thr; replaces isoleucine 965 with threonine.
Molecular consequence: missense variant.
Genome position (GRCh38, 1-based): chr8:99,384,277, T>C. VCF-style: chr8-99384277-T-C. GRCh37 (hg19) VCF-style: chr8-100396505-T-C.
Other names: c.2894T>C, p.Ile965Thr (NM_017890.5); short protein forms I965T.
Identifiers: ClinVar variation 4983736 (VCV004983736.1).

ClinVar aggregate classification (germline): Uncertain significance (1 of 4 stars; one submission).

Conditions:
VPS13B-related disorder. Also called: VPS13B-related condition.

gnomAD v4.1: 1 of 1,614,006 alleles (0.000062%); highest among the groups gnomAD compares: Non-Finnish European, 0.000085%; no homozygotes.

Submission:

PreventionGenetics, part of Exact Sciences
Classification: Uncertain significance for VPS13B-related condition. Last evaluated: 2025-11-06. Review status: criteria provided, single submitter. Criteria: ACMG Guidelines, 2015. Collection method: clinical testing. Allele origin: germline.
Comment: The VPS13B c.2894T>C variant is predicted to result in the amino acid substitution p.Ile965Thr. To our knowledge, this variant has not been reported in the literature or in a large population database (gnomAD), indicating this variant is rare. At this time, the clinical significance of this variant is uncertain due to the absence of conclusive functional and genetic evidence.